The following is an entry in ClinVar:

ClinVar aggregate classification (germline): Uncertain significance (1 of 4 stars; one submission).

Submission:

Labcorp Genetics (formerly Invitae), Labcorp
Classification: Uncertain significance. Last evaluated: 2024-12-10. Review status: criteria provided, single submitter. Criteria: Invitae Variant Classification Sherloc (09022015). Collection method: clinical testing. Allele origin: germline.
Comment: This sequence change replaces glycine, which is neutral and non-polar, with aspartic acid, which is acidic and polar, at codon 167 of the FRMD7 protein (p.Gly167Asp). This variant is not present in population databases (gnomAD no frequency). This variant has not been reported in the literature in individuals affected with FRMD7-related conditions. An algorithm developed to predict the effect of missense changes on protein structure and function (PolyPhen-2) suggests that this variant is likely to be disruptive. In summary, the available evidence is currently insufficient to determine the role of this variant in disease. Therefore, it has been classified as a Variant of Uncertain Significance.

NM_194277.3(FRMD7):c.500G>A (p.Gly167Asp)

Gene: FRMD7 (FERM domain containing 7; minus strand). Cytogenetic location: Xq26.2.
Variant type: single nucleotide variant.
Coding change: c.500G>A on transcript NM_194277.3 (MANE Select); coding-DNA position 500, G replaced by A.
Protein change: p.Gly167Asp; replaces glycine 167 with aspartic acid.
Molecular consequence: missense variant.
Genome position (GRCh38, 1-based): chrX:132,085,726, C>T on the plus strand (G>A on the coding strand, the complement: FRMD7 is on the minus strand). VCF-style: chrX-132085726-C-T. GRCh37 (hg19) VCF-style: chrX-131219754-C-T.
Other names: c.455G>A, p.Gly152Asp (NM_001306193.2); short protein forms G152D, G167D.
Identifiers: ClinVar variation 3618699 (VCV003618699.2).
Genomic context (GRCh38, chrX:132,085,726, plus strand): 5'-TACATATCCAGCTTCCTTGCTATGTCCAGTAGCAGAATGTCAGATTCAGCTGGGCTCCTG[C>T]CACTGAAAGGGGAAAGAATTTATGAGCCTAATAAATGCCTCAAGAATGACATTTCCACCC-3'
Protein context (NP_919253.1, residues 157-177): KIMHFHQKHI[Gly167Asp]RSPAESDILL